The following is an entry in ClinVar:

ClinVar aggregate classification (germline): Likely benign. Review status: criteria provided, multiple submitters, no conflicts (2 of 4 stars). 2 submissions from 2 submitters: Likely benign (2). Last evaluated 2024-12-16.

Conditions:
Charcot-Marie-Tooth disease dominant intermediate C (CMTDIC). Also called: CHARCOT-MARIE-TOOTH NEUROPATHY, DOMINANT INTERMEDIATE C. Identifiers: Orphanet 100045, MedGen C1842237, MONDO:0012012, OMIM 608323.

Allele frequency attached by ClinVar (database versions not stated): ExAC 0.00001; gnomAD 0.00003.
gnomAD v4.1: 2 of 1,613,994 alleles (0.00012%); highest among the groups gnomAD compares: African/African-American, 0.0027%; no homozygotes.

Submissions (2):

Labcorp Genetics (formerly Invitae), Labcorp
Classification: Likely benign for Charcot-Marie-Tooth disease dominant intermediate C. Last evaluated: 2024-12-16. Review status: criteria provided, single submitter. Criteria: Invitae Variant Classification Sherloc (09022015). Collection method: clinical testing. Allele origin: germline.

GeneDx
Classification: Likely benign. Last evaluated: 2017-03-03. Review status: criteria provided, single submitter. Criteria: GeneDx Variant Classification (06012015). Collection method: clinical testing. Allele origin: germline. Affected: yes.
Comment: This variant is considered likely benign or benign based on one or more of the following criteria: it is a conservative change, it occurs at a poorly conserved position in the protein, it is predicted to be benign by multiple in silico algorithms, and/or has population frequency not consistent with disease.

NM_003680.4(YARS1):c.205-19C>T

Gene: YARS1 (tyrosyl-tRNA synthetase 1; minus strand). Cytogenetic location: 1p35.1.
Variant type: single nucleotide variant.
Coding change: c.205-19C>T on transcript NM_003680.4 (MANE Select); 19 bases into the intron before coding-DNA position 205, C replaced by T.
Molecular consequence: intron variant.
Genome position (GRCh38, 1-based): chr1:32,810,785, G>A on the plus strand (C>T on the coding strand, the complement: YARS1 is on the minus strand). VCF-style: chr1-32810785-G-A. GRCh37 (hg19) VCF-style: chr1-33276386-G-A.
Identifiers: ClinVar variation 507634 (VCV000507634.5), dbSNP rs768703124, ClinGen allele CA745248.
Genomic context (GRCh38, chr1:32,810,785, plus strand): 5'-GTTATCCAGGTATGCGTGGAGGTCCGCAAACAGAATTGTTACCTGGACAAGAGATAAGGG[G>A]CCACCAAAATGTGAATTTGTCCAATTACCTCCAACCTGTCTCCTCCAGCCCCACCCTGTC-3'